The following is an entry in ClinVar:

NM_000038.6(APC):c.2391T>C (p.Gly797=)

Gene: APC (APC regulator of Wnt signaling pathway; plus strand). Cytogenetic location: 5q22.2.
Variant type: single nucleotide variant.
Coding change: c.2391T>C on transcript NM_000038.6 (MANE Select); coding-DNA position 2391, T replaced by C.
Protein change: p.Gly797=; no amino-acid change (glycine 797 retained).
Molecular consequence: synonymous variant.
Genome position (GRCh38, 1-based): chr5:112,837,985, T>C. VCF-style: chr5-112837985-T-C. GRCh37 (hg19) VCF-style: chr5-112173682-T-C.
Other names: c.2391T>C, p.Gly797= (NM_001127510.3, NM_001354895.2); c.2337T>C, p.Gly779= (NM_001127511.3); c.2445T>C, p.Gly815= (NM_001354896.2); c.2421T>C, p.Gly807= (NM_001354897.2); c.2316T>C, p.Gly772= (NM_001354898.2); c.2307T>C, p.Gly769= (NM_001354899.2); c.2268T>C, p.Gly756= (NM_001354900.2); c.2214T>C, p.Gly738= (NM_001354901.2); and 6 more.
Identifiers: ClinVar variation 1152115 (VCV001152115.12), dbSNP rs535294819, ClinGen allele CA445963437.

ClinVar aggregate classification (germline): Benign/Likely benign. Review status: criteria provided, multiple submitters, no conflicts (2 of 4 stars). 3 submissions from 3 submitters: Benign (1); Likely benign (2). Last evaluated 2025-09-11.

Conditions:
Hereditary cancer-predisposing syndrome. Also called: Tumor predisposition; Neoplastic Syndromes, Hereditary; Hereditary neoplastic syndrome; Hereditary Cancer Syndrome. Identifiers: Orphanet 140162, MedGen C0027672, MeSH D009386, MONDO:0015356.
Familial adenomatous polyposis 1 (FAP1). Also called: FAMILIAL ADENOMATOUS POLYPOSIS 1, ATTENUATED; POLYPOSIS, ADENOMATOUS INTESTINAL. Identifiers: MedGen C2713442, MONDO:0021056, OMIM 175100. Disease mechanism: loss of function.

gnomAD v4.1: 4 of 1,614,168 alleles (0.00025%); highest among the groups gnomAD compares: Non-Finnish European, 0.00034%; no homozygotes.

Submissions (3):

Ambry Genetics
Classification: Likely benign for Hereditary cancer-predisposing syndrome. Last evaluated: 2025-09-11. Review status: criteria provided, single submitter. Criteria: Ambry Variant Classification Scheme 2023. Collection method: clinical testing. Allele origin: germline.

Myriad Genetics, Inc.
Classification: Benign for Familial adenomatous polyposis 1. Last evaluated: 2024-03-12. Review status: criteria provided, single submitter. Criteria: Myriad Autosomal Dominant, Autosomal Recessive and X-Linked Classification Criteria (2023). Collection method: clinical testing. Allele origin: unknown.
Comment: This variant is considered benign. This variant is a silent/synonymous amino acid change and it is not expected to impact splicing.

Labcorp Genetics (formerly Invitae), Labcorp
Classification: Likely benign for Familial adenomatous polyposis 1. Last evaluated: 2023-03-03. Review status: criteria provided, single submitter. Criteria: Invitae Variant Classification Sherloc (09022015). Collection method: clinical testing. Allele origin: germline.